The following is an entry in ClinVar:

ClinVar aggregate classification (germline): Conflicting classifications of pathogenicity. Review status: criteria provided, conflicting classifications (1 of 4 stars). 4 submissions from 4 submitters: Uncertain significance (3); Likely benign (1). Last evaluated 2026-02-01.

Conditions:
LAMA2-related muscular dystrophy (LAMA2-RD). Also called: Laminin alpha 2-related dystrophy. Identifiers: MedGen C5679788, MONDO:0100228.

Allele frequency attached by ClinVar (database versions not stated): gnomAD 0.00001; ExAC 0.00002; gnomAD exomes 0.00002 and 0.00003; TOPMed 0.00002; 1000 Genomes Project 0.00020; 1000 Genomes Project 30x 0.00031.
gnomAD v4.1: 29 of 1,613,770 alleles (0.0018%); highest among the groups gnomAD compares: Admixed American, 0.017%; no homozygotes.

Submissions (4):

Labcorp Genetics (formerly Invitae), Labcorp
Classification: Likely benign for LAMA2-related muscular dystrophy. Last evaluated: 2026-02-01. Review status: criteria provided, single submitter. Criteria: Invitae Variant Classification Sherloc (09022015). Collection method: clinical testing. Allele origin: germline.

GeneDx
Classification: Uncertain significance. Last evaluated: 2025-01-10. Review status: criteria provided, single submitter. Criteria: GeneDx Variant Classification Process June 2021. Collection method: clinical testing. Allele origin: germline. Affected: yes.
Comment: Not observed at significant frequency in large population cohorts (gnomAD); In silico analysis supports that this missense variant has a deleterious effect on protein structure/function; Has not been previously published as pathogenic or benign to our knowledge

Revvity Omics, Revvity
Classification: Uncertain significance. Last evaluated: 2024-09-18. Review status: criteria provided, single submitter. Criteria: ACMG Guidelines, 2015. Collection method: clinical testing. Allele origin: germline.

Mayo Clinic Laboratories, Mayo Clinic
Classification: Uncertain significance. Last evaluated: 2019-04-07. Review status: criteria provided, single submitter. Criteria: ACMG Guidelines, 2015. Collection method: clinical testing. Allele origin: germline. Observed: 1 variant allele.

NM_000426.4(LAMA2):c.7780C>T (p.Arg2594Cys)

Gene: LAMA2 (laminin subunit alpha 2; plus strand). Cytogenetic location: 6q22.33.
Variant type: single nucleotide variant.
Coding change: c.7780C>T on transcript NM_000426.4 (MANE Select); coding-DNA position 7780, C replaced by T.
Protein change: p.Arg2594Cys; replaces arginine 2594 with cysteine.
Molecular consequence: missense variant.
Genome position (GRCh38, 1-based): chr6:129,486,504, C>T. VCF-style: chr6-129486504-C-T. GRCh37 (hg19) VCF-style: chr6-129807649-C-T.
Other names: c.7768C>T, p.Arg2590Cys (NM_001079823.2); short protein forms R2594C, R2590C.
Identifiers: ClinVar variation 543848 (VCV000543848.14), dbSNP rs546988105, ClinGen allele CA3994665.